The following is an entry in ClinVar:

NM_005188.4(CBL):c.1110A>C (p.Leu370Phe)

Gene: CBL (Cbl proto-oncogene; plus strand). Cytogenetic location: 11q23.3.
Variant type: single nucleotide variant.
Coding change: c.1110A>C on transcript NM_005188.4 (MANE Select); coding-DNA position 1110, A replaced by C.
Protein change: p.Leu370Phe; replaces leucine 370 with phenylalanine.
Molecular consequence: missense variant.
Genome position (GRCh38, 1-based): chr11:119,278,180, A>C. VCF-style: chr11-119278180-A-C. GRCh37 (hg19) VCF-style: chr11-119148890-A-C.
Other names: short protein forms L370F.
Identifiers: ClinVar variation 1718650 (VCV001718650.5), dbSNP rs754168206, ClinGen allele CA229661803.

ClinVar aggregate classification (germline): Uncertain significance (1 of 4 stars; one submission).

Conditions:
RASopathy. Also called: rasopathies; Noonan spectrum disorder. Identifiers: Orphanet 536391, MedGen C5555857, MONDO:0021060.

Submission:

Labcorp Genetics (formerly Invitae), Labcorp
Classification: Uncertain significance for RASopathy. Last evaluated: 2022-09-02. Review status: criteria provided, single submitter. Criteria: Invitae Variant Classification Sherloc (09022015). Collection method: clinical testing. Allele origin: germline.
Comment: This sequence change replaces leucine, which is neutral and non-polar, with phenylalanine, which is neutral and non-polar, at codon 370 of the CBL protein (p.Leu370Phe). This variant is not present in population databases (gnomAD no frequency). This variant has not been reported in the literature in individuals affected with CBL-related conditions. Advanced modeling of protein sequence and biophysical properties (such as structural, functional, and spatial information, amino acid conservation, physicochemical variation, residue mobility, and thermodynamic stability) performed at Invitae indicates that this missense variant is expected to disrupt CBL protein function. In summary, the available evidence is currently insufficient to determine the role of this variant in disease. Therefore, it has been classified as a Variant of Uncertain Significance.